The following is an entry in ClinVar:

ClinVar aggregate classification (germline): Uncertain significance. Review status: criteria provided, multiple submitters, no conflicts (2 of 4 stars). 2 submissions from 2 submitters: Uncertain significance (2). Last evaluated 2025-12-26.

Conditions:
RASopathy. Also called: Noonan spectrum disorder; rasopathies. Identifiers: Orphanet 536391, MedGen C5555857, MONDO:0021060.

Submissions (2):

Labcorp Genetics (formerly Invitae), Labcorp
Classification: Uncertain significance for RASopathy. Last evaluated: 2025-12-26. Review status: criteria provided, single submitter. Criteria: Invitae Variant Classification Sherloc (09022015). Collection method: clinical testing. Allele origin: germline.
Comment: This sequence change replaces valine, which is neutral and non-polar, with glycine, which is neutral and non-polar, at codon 202 of the MAP2K2 protein (p.Val202Gly). This variant is not present in population databases (gnomAD no frequency). This variant has not been reported in the literature in individuals affected with MAP2K2-related conditions. ClinVar contains an entry for this variant (Variation ID: 561954). Invitae Evidence Modeling of protein sequence and biophysical properties (such as structural, functional, and spatial information, amino acid conservation, physicochemical variation, residue mobility, and thermodynamic stability) has been performed for this missense variant. However, the output from this modeling did not meet the statistical confidence thresholds required to predict the impact of this variant on MAP2K2 protein function. In summary, the available evidence is currently insufficient to determine the role of this variant in disease. Therefore, it has been classified as a Variant of Uncertain Significance.

GeneDx
Classification: Uncertain significance. Last evaluated: 2018-07-13. Review status: criteria provided, single submitter. Criteria: GeneDx Variant Classification (06012015). Collection method: clinical testing. Allele origin: germline. Affected: yes.
Comment: The V202G variant has not been published as a pathogenic variant, nor has it been reported as a benign variant to our knowledge. The V202G variant is not observed in large population cohorts (Lek et al., 2016). In-silico analyses, including protein predictors and evolutionary conservation, support a deleterious effect. However, the V202G variant is a conservative amino acid substitution, which is not likely to impact secondary protein structure as these residues share similar properties. Therefore, based on the currently available information, it is unclear whether this variant is a pathogenic variant or a rare benign variant.

NM_030662.4(MAP2K2):c.605T>G (p.Val202Gly)

Gene: MAP2K2 (mitogen-activated protein kinase kinase 2; minus strand). Cytogenetic location: 19p13.3.
Variant type: single nucleotide variant.
Coding change: c.605T>G on transcript NM_030662.4 (MANE Select); coding-DNA position 605, T replaced by G.
Protein change: p.Val202Gly; replaces valine 202 with glycine.
Molecular consequence: missense variant.
Genome position (GRCh38, 1-based): chr19:4,101,119, A>C on the plus strand (T>G on the coding strand, the complement: MAP2K2 is on the minus strand). VCF-style: chr19-4101119-A-C. GRCh37 (hg19) VCF-style: chr19-4101117-A-C.
Other names: short protein forms V202G.
Identifiers: ClinVar variation 561954 (VCV000561954.2), dbSNP rs1568253689, ClinGen allele CA403388719.